The following is an entry in ClinVar:

ClinVar aggregate classification (germline): Pathogenic, low penetrance (1 of 4 stars; one submission).

Conditions:
Atypical hemolytic-uremic syndrome. Identifiers: Orphanet 2134, MedGen C2931788, MONDO:0016244.

Submission:

Genomenon, Inc
Classification: Pathogenic, low penetrance for Atypical hemolytic-uremic syndrome. Last evaluated: 2025-10-02. Review status: criteria provided, single submitter. Criteria: Genomenon Sequence Variant Interpretation Standards - Updated. Collection method: curation. Allele origin: germline. Affected: yes.
Comment: CFH p.Asn767ThrfsTer11 (c.2300del) is a frameshift variant that results in the production of a truncated protein which is predicted to undergo nonsense-mediated mRNA decay. This variant has been observed in at least one proband affected with atypical hemolytic-uremic syndrome (PMID:33988670). It is absent or not present at a significant frequency in gnomAD. In conclusion, we classify CFH p.Asn767ThrfsTer11 (c.2300del) as a pathogenic, low penetrance variant.

Literature cited by the submitters: PubMed 33988670.

NM_000186.4(CFH):c.2300del (p.Asn767fs)

Gene: CFH (complement factor H; plus strand). Cytogenetic location: 1q31.3.
Variant type: Deletion.
Coding change: c.2300del on transcript NM_000186.4 (MANE Select); coding-DNA position 2300, one base deleted (A; older notation c.2300delA).
Protein change: p.Asn767fs; shifts the reading frame from asparagine 767.
Molecular consequence: frameshift variant.
Genome position (GRCh38, 1-based): chr1:196,728,409, A deleted; the last of 6 consecutive A bases (chr1:196,728,404-196,728,409); deleting any one gives the same sequence. VCF-style (leftmost placement, unchanged base first): chr1-196728403-TA-T. GRCh37 (hg19) VCF-style: chr1-196697533-TA-T.
Other names: short protein forms N767fs.
Identifiers: ClinVar variation 4291466 (VCV004291466.1).